The following is an entry in ClinVar:

NM_000834.5(GRIN2B):c.4375A>G (p.Asn1459Asp)

Gene: GRIN2B (glutamate ionotropic receptor NMDA type subunit 2B; minus strand). Cytogenetic location: 12p13.1.
Variant type: single nucleotide variant.
Coding change: c.4375A>G on transcript NM_000834.5 (MANE Select); coding-DNA position 4375, A replaced by G.
Protein change: p.Asn1459Asp; replaces asparagine 1459 with aspartic acid.
Molecular consequence: missense variant.
Genome position (GRCh38, 1-based): chr12:13,562,863, T>C on the plus strand (A>G on the coding strand, the complement: GRIN2B is on the minus strand). VCF-style: chr12-13562863-T-C. GRCh37 (hg19) VCF-style: chr12-13715797-T-C.
Other names: short protein forms N1459D.
Identifiers: ClinVar variation 847028 (VCV000847028.13), dbSNP rs1384338205, ClinGen allele CA383985154.
Genomic context (GRCh38, chr12:13,562,863, plus strand): 5'-TAGAAAGTTTCTCATAAACATGCCCATTGCTGGAGCCATTGAAAGCCCTGGGGTTTTTGT[T>C]GTTAGGCACACAGGGGTTGGACTGGTTCCCTATACAGATGTCCTTCTGGAAACGGGCTGG-3'
Protein context (NP_000825.2, residues 1449-1469): GNQSNPCVPN[Asn1459Asp]KNPRAFNGSS

ClinVar aggregate classification (germline): Benign/Likely benign. Review status: criteria provided, multiple submitters, no conflicts (2 of 4 stars). 2 submissions from 2 submitters: Benign (1); Likely benign (1). Last evaluated 2023-12-21.

Conditions:
Intellectual developmental disorder, autosomal dominant 6, with or without seizures. Also called: Intellectual disability, autosomal dominant 6; GRIN2B-related developmental delay, intellectual disability and autism spectrum disorder. Identifiers: Orphanet 589547, MedGen C3151411, MONDO:0013509, OMIM 613970.
Developmental and epileptic encephalopathy, 27 (DEE27). Also called: GRIN2B-Related Neurodevelopmental Disorder; Epileptic encephalopathy, early infantile, 27. Identifiers: Orphanet 3451, MedGen C4015316, MONDO:0014505, OMIM 616139.

Allele frequency attached by ClinVar (database versions not stated): gnomAD exomes below 0.00001 and 0.00001.
gnomAD v4.1: 1 of 1,614,164 alleles (0.000062%); highest among the groups gnomAD compares: Admixed American, 0.0017%; no homozygotes.

Submissions (2):

Labcorp Genetics (formerly Invitae), Labcorp
Classification: Benign for Developmental and epileptic encephalopathy, 27; Intellectual developmental disorder, autosomal dominant 6, with or without seizures. Last evaluated: 2023-12-21. Review status: criteria provided, single submitter. Criteria: Invitae Variant Classification Sherloc (09022015). Collection method: clinical testing. Allele origin: germline.

GeneDx
Classification: Likely benign. Last evaluated: 2021-03-18. Review status: criteria provided, single submitter. Criteria: GeneDx Variant Classification Process June 2021. Collection method: clinical testing. Allele origin: germline. Affected: yes.
Comment: In silico analysis supports that this missense variant does not alter protein structure/function; Has not been previously published as pathogenic or benign to our knowledge